The following is an entry in ClinVar:

ClinVar aggregate classification (germline): Uncertain significance (1 of 4 stars; one submission).

Allele frequency attached by ClinVar (database versions not stated): gnomAD exomes below 0.00001.

Submission:

Labcorp Genetics (formerly Invitae), Labcorp
Classification: Uncertain significance. Last evaluated: 2022-11-05. Review status: criteria provided, single submitter. Criteria: Invitae Variant Classification Sherloc (09022015). Collection method: clinical testing. Allele origin: germline.
Comment: This sequence change replaces serine, which is neutral and polar, with asparagine, which is neutral and polar, at codon 19 of the FBLN5 protein (p.Ser19Asn). This variant is not present in population databases (gnomAD no frequency). This variant has not been reported in the literature in individuals affected with FBLN5-related conditions. Algorithms developed to predict the effect of missense changes on protein structure and function (SIFT, PolyPhen-2, Align-GVGD) all suggest that this variant is likely to be tolerated. In summary, the available evidence is currently insufficient to determine the role of this variant in disease. Therefore, it has been classified as a Variant of Uncertain Significance.

NM_006329.4(FBLN5):c.56G>A (p.Ser19Asn)

Gene: FBLN5 (fibulin 5; minus strand). Cytogenetic location: 14q32.12.
Variant type: single nucleotide variant.
Coding change: c.56G>A on transcript NM_006329.4 (MANE Select); coding-DNA position 56, G replaced by A.
Protein change: p.Ser19Asn; replaces serine 19 with asparagine.
Molecular consequence: missense variant. On other transcripts: 5 prime UTR variant (2).
Genome position (GRCh38, 1-based): chr14:91,942,923, C>T on the plus strand (G>A on the coding strand, the complement: FBLN5 is on the minus strand). VCF-style: chr14-91942923-C-T. GRCh37 (hg19) VCF-style: chr14-92409267-C-T.
Other names: c.56G>A, p.Ser19Asn (NM_001384158.1, NM_001384160.1); c.107G>A, p.Ser36Asn (NM_001384159.1); c.-214G>A (NM_001384161.1, NM_001384162.1); short protein forms S36N, S19N.
Identifiers: ClinVar variation 2797146 (VCV002797146.3), dbSNP rs2542913524, ClinGen allele CA390641444.